The following is an entry in ClinVar:

NM_001009944.3(PKD1):c.4047C>G (p.Phe1349Leu)

Gene: PKD1 (polycystin 1, transient receptor potential channel interacting; minus strand). Cytogenetic location: 16p13.3.
Variant type: single nucleotide variant.
Coding change: c.4047C>G on transcript NM_001009944.3 (MANE Select); coding-DNA position 4047, C replaced by G.
Protein change: p.Phe1349Leu; replaces phenylalanine 1349 with leucine.
Molecular consequence: missense variant.
Genome position (GRCh38, 1-based): chr16:2,111,120, G>C on the plus strand (C>G on the coding strand, the complement: PKD1 is on the minus strand). VCF-style: chr16-2111120-G-C. GRCh37 (hg19) VCF-style: chr16-2161121-G-C.
Other names: c.4047C>G, p.Phe1349Leu (NM_000296.4); short protein forms F1349L.
Identifiers: ClinVar variation 1699435 (VCV001699435.3), dbSNP rs770459654, ClinGen allele CA394381707.

ClinVar aggregate classification (germline): Uncertain significance (1 of 4 stars; one submission).

Conditions:
Polycystic kidney disease, adult type (PKD1). Also called: Polycystic Kidney Disease 1, Autosomal Dominant; Polycystic kidney disease 1; Polycystic kidney disease 1, severe; Polycystic Kidney, Autosomal Dominant; POLYCYSTIC KIDNEY DISEASE 1 WITH OR WITHOUT POLYCYSTIC LIVER DISEASE; POLYCYSTIC KIDNEY DISEASE, ADULT, TYPE I. Identifiers: MedGen C3149841, MONDO:0008263, OMIM 173900.

Submission:

Victorian Clinical Genetics Services, Murdoch Childrens Research Institute
Classification: Uncertain significance for Polycystic kidney disease, adult type. Last evaluated: 2022-02-02. Review status: criteria provided, single submitter. Criteria: ACMG Guidelines, 2015. Collection method: clinical testing. Allele origin: germline. Inheritance: Autosomal dominant inheritance. Affected: yes.
Comment: Based on the classification scheme VCGS_Germline_v1.3.4, this variant is classified as VUS-3C. Following criteria are met: 0102 - Loss of function is a known mechanism of disease in this gene and is associated with polycystic kidney disease 1 (MIM#173900). (I) 0107 - This gene is associated with autosomal dominant disease. Polycystic kidney disease 1 (MIM#173900) is predominantly caused by monoallelic variants, with rare reports of biallelic variants causing disease (OMIM). (I) 0200 - Variant is predicted to result in a missense amino acid change from phenylalanine to leucine. (I) 0251 - This variant is heterozygous. (I) 0301 - Variant is absent from gnomAD (both v2 and v3). (SP) 0504 - Same amino acid change has been observed in a placental mammal. (SB) 0600 - Variant is located in the annotated PKD 8 domain (Uniprot). (I) 0705 - No comparable missense variants have previous evidence for pathogenicity. (I) 0807 - This variant has no previous evidence of pathogenicity. (I) 0905 - No published segregation evidence has been identified for this variant. (I) 1007 - No published functional evidence has been identified for this variant. (I) 1208 - Inheritance information for this variant is not currently available in this individual. (I) Legend: (SP) - Supporting pathogenic, (I) - Information, (SB) - Supporting benign